The following is an entry in ClinVar:

ClinVar aggregate classification (germline): Likely benign. Review status: criteria provided, single submitter (1 of 4 stars). 2 submissions from 2 submitters: Likely benign (1). 1 of the submissions does not count toward it. Last evaluated 2025-12-08.

Conditions:
NBAS-related disorder. Also called: NBAS-related condition.

Allele frequency attached by ClinVar (database versions not stated): gnomAD 0.00001; gnomAD exomes 0.00001.
gnomAD v4.1: 12 of 1,613,842 alleles (0.00074%); highest among the groups gnomAD compares: Non-Finnish European, 0.001%; no homozygotes.

Submissions (2):

Labcorp Genetics (formerly Invitae), Labcorp
Classification: Likely benign. Last evaluated: 2025-12-08. Review status: criteria provided, single submitter. Criteria: Invitae Variant Classification Sherloc (09022015). Collection method: clinical testing. Allele origin: germline.

PreventionGenetics, part of Exact Sciences
Classification: Likely benign for NBAS-related condition. Last evaluated: 2020-08-19. Review status: no assertion criteria provided. Collection method: clinical testing. Allele origin: germline. Not counted in ClinVar's aggregate classification.
Comment: This variant is classified as likely benign based on ACMG/AMP sequence variant interpretation guidelines (Richards et al. 2015 PMID: 25741868, with internal and published modifications).

NM_015909.4(NBAS):c.5389+8G>A

Gene: NBAS (NBAS subunit of NRZ tethering complex; minus strand). Cytogenetic location: 2p24.3.
Variant type: single nucleotide variant.
Coding change: c.5389+8G>A on transcript NM_015909.4 (MANE Select); 8 bases into the intron after coding-DNA position 5389, G replaced by A.
Molecular consequence: intron variant.
Genome position (GRCh38, 1-based): chr2:15,276,843, C>T on the plus strand (G>A on the coding strand, the complement: NBAS is on the minus strand). VCF-style: chr2-15276843-C-T. GRCh37 (hg19) VCF-style: chr2-15416967-C-T.
Identifiers: ClinVar variation 3031772 (VCV003031772.4), dbSNP rs1180542946, ClinGen allele CA531017618.